The following is an entry in ClinVar:

NM_015378.4(VPS13D):c.9069+3A>G

Gene: VPS13D (vacuolar protein sorting 13 homolog D; plus strand). Cytogenetic location: 1p36.22.
Variant type: single nucleotide variant.
Coding change: c.9069+3A>G on transcript NM_015378.4 (MANE Select); 3 bases into the intron after coding-DNA position 9069, A replaced by G.
Molecular consequence: intron variant.
Genome position (GRCh38, 1-based): chr1:12,346,655, A>G. VCF-style: chr1-12346655-A-G. GRCh37 (hg19) VCF-style: chr1-12406712-A-G.
Other names: c.8994+3A>G (NM_018156.4).
Identifiers: ClinVar variation 2421283 (VCV002421283.2), dbSNP rs370003045, ClinGen allele CA603318.
Genomic context (GRCh38, chr1:12,346,655, plus strand): 5'-TCTTTTTCAGATTGGCAGCCCAAGCAGCAGAACAAATATTATACATCCCCAGGTTTATGT[A>G]AGTATGATTTTCCTGTTGTCATTGTGTTTATTGCGTATATACACTGCACCTGAATCATGT-3'

ClinVar aggregate classification (germline): Uncertain significance (1 of 4 stars; one submission).

Allele frequency attached by ClinVar (database versions not stated): ExAC 0.00002; gnomAD 0.00004; TOPMed 0.00006; ESP Exome Variant Server 0.00015.
gnomAD v4.1: 9 of 1,612,590 alleles (0.00056%); highest among the groups gnomAD compares: African/African-American, 0.011%; no homozygotes.

Submission:

Labcorp Genetics (formerly Invitae), Labcorp
Classification: Uncertain significance. Last evaluated: 2022-03-19. Review status: criteria provided, single submitter. Criteria: Invitae Variant Classification Sherloc (09022015). Collection method: clinical testing. Allele origin: germline.
Comment: This sequence change falls in intron 44 of the VPS13D gene. It does not directly change the encoded amino acid sequence of the VPS13D protein. It affects a nucleotide within the consensus splice site. This variant is present in population databases (rs370003045, gnomAD 0.01%). This variant has not been reported in the literature in individuals affected with VPS13D-related conditions. Variants that disrupt the consensus splice site are a relatively common cause of aberrant splicing (PMID: 17576681, 9536098). Algorithms developed to predict the effect of sequence changes on RNA splicing suggest that this variant is not likely to affect RNA splicing. In summary, the available evidence is currently insufficient to determine the role of this variant in disease. Therefore, it has been classified as a Variant of Uncertain Significance.

Literature cited by the submitters: PubMed 17576681; PubMed 9536098.